The following is an entry in ClinVar:

ClinVar aggregate classification (germline): Benign/Likely benign. Review status: criteria provided, multiple submitters, no conflicts (2 of 4 stars). 4 submissions from 4 submitters: Benign (1); Likely benign (3). Last evaluated 2024-07-24.

Conditions:
Hereditary cancer-predisposing syndrome. Also called: Neoplastic Syndromes, Hereditary; Tumor predisposition; Hereditary Cancer Syndrome; Hereditary neoplastic syndrome. Identifiers: Orphanet 140162, MedGen C0027672, MeSH D009386, MONDO:0015356.
Familial cancer of breast. Also called: BREAST CANCER, FAMILIAL; Hereditary breast cancer; hereditary breast carcinoma. Identifiers: Orphanet 227535, MedGen C0346153, MONDO:0016419, OMIM 114480. Disease mechanism: loss of function.

gnomAD v4.1: 2 of 1,614,024 alleles (0.00012%); highest among the groups gnomAD compares: Non-Finnish European, 0.000085%; no homozygotes.

Submissions (4):

Myriad Genetics, Inc.
Classification: Benign for Familial cancer of breast. Last evaluated: 2024-07-24. Review status: criteria provided, single submitter. Criteria: Myriad Autosomal Dominant, Autosomal Recessive and X-Linked Classification Criteria (2023). Collection method: clinical testing. Allele origin: unknown.
Comment: This variant is considered benign. This variant is a silent/synonymous amino acid change and it is not expected to impact splicing.

Labcorp Genetics (formerly Invitae), Labcorp
Classification: Likely benign for Familial cancer of breast. Last evaluated: 2024-06-25. Review status: criteria provided, single submitter. Criteria: Invitae Variant Classification Sherloc (09022015). Collection method: clinical testing. Allele origin: germline.

Color Diagnostics, LLC DBA Color Health
Classification: Likely benign for Hereditary cancer-predisposing syndrome. Last evaluated: 2024-01-22. Review status: criteria provided, single submitter. Criteria: ACMG Guidelines, 2015. Collection method: clinical testing. Allele origin: germline.

Ambry Genetics
Classification: Likely benign for Hereditary cancer-predisposing syndrome. Last evaluated: 2016-08-29. Review status: criteria provided, single submitter. Criteria: Ambry Variant Classification Scheme 2023. Collection method: clinical testing. Allele origin: germline.

NM_000465.4(BARD1):c.1152C>G (p.Ser384=)

Gene: BARD1 (BRCA1 associated RING domain 1; minus strand). Cytogenetic location: 2q35.
Variant type: single nucleotide variant.
Coding change: c.1152C>G on transcript NM_000465.4 (MANE Select); coding-DNA position 1152, C replaced by G.
Protein change: p.Ser384=; no amino-acid change (serine 384 retained).
Molecular consequence: synonymous variant. On other transcripts: non-coding transcript variant (2), intron variant (3).
Genome position (GRCh38, 1-based): chr2:214,780,722, G>C on the plus strand (C>G on the coding strand, the complement: BARD1 is on the minus strand). VCF-style: chr2-214780722-G-C. GRCh37 (hg19) VCF-style: chr2-215645446-G-C.
Other names: c.1095C>G, p.Ser365= (NM_001282543.2); c.159-28167C>G (NM_001282548.2); c.215+16339C>G (NM_001282545.2); c.364+11575C>G (NM_001282549.2).
Identifiers: ClinVar variation 485314 (VCV000485314.17), dbSNP rs368291318, ClinGen allele CA431391820.